The following is an entry in ClinVar:

ClinVar aggregate classification (germline): Uncertain significance (1 of 4 stars; one submission).

gnomAD v4.1: 1 of 1,610,606 alleles (0.000062%); highest among the groups gnomAD compares: Non-Finnish European, 0.000085%; no homozygotes.

Submission:

Labcorp Genetics (formerly Invitae), Labcorp
Classification: Uncertain significance. Last evaluated: 2025-07-27. Review status: criteria provided, single submitter. Criteria: Invitae Variant Classification Sherloc (09022015). Collection method: clinical testing. Allele origin: germline.
Comment: This sequence change replaces glycine, which is neutral and non-polar, with serine, which is neutral and polar, at codon 283 of the EFL1 protein (p.Gly283Ser). This variant is not present in population databases (gnomAD no frequency). This variant has not been reported in the literature in individuals affected with EFL1-related conditions. Invitae Evidence Modeling of protein sequence and biophysical properties (such as structural, functional, and spatial information, amino acid conservation, physicochemical variation, residue mobility, and thermodynamic stability) indicates that this missense variant is not expected to disrupt EFL1 protein function with a negative predictive value of 80%. In summary, the available evidence is currently insufficient to determine the role of this variant in disease. Therefore, it has been classified as a Variant of Uncertain Significance.

NM_024580.6(EFL1):c.847G>A (p.Gly283Ser)

Gene: EFL1 (elongation factor like GTPase 1; minus strand). Cytogenetic location: 15q25.2.
Variant type: single nucleotide variant.
Coding change: c.847G>A on transcript NM_024580.6 (MANE Select); coding-DNA position 847, G replaced by A.
Protein change: p.Gly283Ser; replaces glycine 283 with serine.
Molecular consequence: missense variant. On other transcripts: non-coding transcript variant (1).
Genome position (GRCh38, 1-based): chr15:82,230,856, C>T on the plus strand (G>A on the coding strand, the complement: EFL1 is on the minus strand). VCF-style: chr15-82230856-C-T. GRCh37 (hg19) VCF-style: chr15-82523197-C-T.
Other names: c.694G>A, p.Gly232Ser (NM_001040610.3); c.58G>A, p.Gly20Ser (NM_001322844.2); c.847G>A, p.Gly283Ser (NM_001322845.2); short protein forms G20S, G232S, G283S.
Identifiers: ClinVar variation 4746892 (VCV004746892.1).